The following is an entry in ClinVar:

ClinVar aggregate classification (germline): Uncertain significance (1 of 4 stars; one submission).

Submission:

GeneDx
Classification: Uncertain significance. Last evaluated: 2025-04-08. Review status: criteria provided, single submitter. Criteria: GeneDx Variant Classification Process June 2021. Collection method: clinical testing. Allele origin: germline. Affected: yes.
Comment: Not observed at significant frequency in large population cohorts (gnomAD); In silico analysis supports that this missense variant has a deleterious effect on protein structure/function; Has not been previously published as pathogenic or benign to our knowledge

NM_001375405.1(CEP120):c.2834T>G (p.Leu945Trp)

Gene: CEP120 (centrosomal protein 120; minus strand). Cytogenetic location: 5q23.2.
Variant type: single nucleotide variant.
Coding change: c.2834T>G on transcript NM_001375405.1 (MANE Select); coding-DNA position 2834, T replaced by G.
Protein change: p.Leu945Trp; replaces leucine 945 with tryptophan.
Molecular consequence: missense variant. On other transcripts: 3 prime UTR variant (1), non-coding transcript variant (1).
Genome position (GRCh38, 1-based): chr5:123,346,646, A>C on the plus strand (T>G on the coding strand, the complement: CEP120 is on the minus strand). VCF-style: chr5-123346646-A-C. GRCh37 (hg19) VCF-style: chr5-122682340-A-C.
Other names: c.2756T>G, p.Leu919Trp (NM_001166226.2); c.2699T>G, p.Leu900Trp (NM_001375406.1); c.*103T>G (NM_001375407.1); c.2261T>G, p.Leu754Trp (NM_001375408.1, NM_001375409.1); c.2834T>G, p.Leu945Trp (NM_153223.4); short protein forms L754W, L900W, L919W, L945W.
Identifiers: ClinVar variation 4281885 (VCV004281885.1).